The following is an entry in ClinVar:

NM_003742.4(ABCB11):c.316del (p.Ala106fs)

Gene: ABCB11 (ATP binding cassette subfamily B member 11; minus strand). Cytogenetic location: 2q31.1.
Variant type: Deletion.
Coding change: c.316del on transcript NM_003742.4 (MANE Select); coding-DNA position 316, one base deleted (G; older notation c.316delG).
Protein change: p.Ala106fs; shifts the reading frame from alanine 106.
Molecular consequence: frameshift variant.
Genome position (GRCh38, 1-based): chr2:169,013,345, C deleted on the plus strand (G on the coding strand, the reverse complement: ABCB11 is on the minus strand). VCF-style (leftmost placement, unchanged base first): chr2-169013344-GC-G. GRCh37 (hg19) VCF-style: chr2-169869854-GC-G.
Other names: short protein forms A106fs.
Identifiers: ClinVar variation 4815275 (VCV004815275.1).

ClinVar aggregate classification (germline): Likely pathogenic (1 of 4 stars; one submission).

Conditions:
Progressive familial intrahepatic cholestasis type 2. Identifiers: Orphanet 79304, MedGen C3489789, MONDO:0011156, OMIM 601847.

Submission:

Natera, Inc.
Classification: Likely pathogenic for Progressive familial intrahepatic cholestasis type 2. Last evaluated: 2024-08-14. Review status: criteria provided, single submitter. Criteria: Natera Variant Classification Schema (03/2026). Collection method: clinical testing. Allele origin: germline.
Comment: The c.316del variant in ABCB11 is a frameshift variant predicted to shift the reading frame beginning at codon 106 and leads to a stop codon 3 codons downstream. This variant is expected to result in nonsense mediated decay, truncation, or a dysfunctional protein product. This variant is rare in the general population with a frequency below the threshold expected for the associated phenotype(s). Given the available evidence, this variant is classified as Likely Pathogenic.